The following is an entry in ClinVar:

NM_001128840.3(CACNA1D):c.1631A>T (p.His544Leu)

Gene: CACNA1D (calcium voltage-gated channel subunit alpha1 D; plus strand). Cytogenetic location: 3p21.1.
Variant type: single nucleotide variant.
Coding change: c.1631A>T on transcript NM_001128840.3 (MANE Select); coding-DNA position 1631, A replaced by T.
Protein change: p.His544Leu; replaces histidine 544 with leucine.
Molecular consequence: missense variant.
Genome position (GRCh38, 1-based): chr3:53,722,439, A>T. VCF-style: chr3-53722439-A-T. GRCh37 (hg19) VCF-style: chr3-53756466-A-T.
Other names: c.1691A>T, p.His564Leu (NM_000720.4); c.1631A>T, p.His544Leu (NM_001128839.3); short protein forms H544L, H564L.
Identifiers: ClinVar variation 2782871 (VCV002782871.3), dbSNP rs2094891931, ClinGen allele CA353236575.

ClinVar aggregate classification (germline): Uncertain significance (1 of 4 stars; one submission).

Allele frequency attached by ClinVar (database versions not stated): gnomAD exomes below 0.00001; TOPMed below 0.00001.
gnomAD v4.1: 3 of 1,614,206 alleles (0.00019%); highest among the groups gnomAD compares: Non-Finnish European, 0.00025%; no homozygotes.

Submission:

Labcorp Genetics (formerly Invitae), Labcorp
Classification: Uncertain significance. Last evaluated: 2023-12-19. Review status: criteria provided, single submitter. Criteria: Invitae Variant Classification Sherloc (09022015). Collection method: clinical testing. Allele origin: germline.
Comment: This sequence change replaces histidine, which is basic and polar, with leucine, which is neutral and non-polar, at codon 564 of the CACNA1D protein (p.His564Leu). This variant is not present in population databases (gnomAD no frequency). This variant has not been reported in the literature in individuals affected with CACNA1D-related conditions. Advanced modeling of protein sequence and biophysical properties (such as structural, functional, and spatial information, amino acid conservation, physicochemical variation, residue mobility, and thermodynamic stability) performed at Invitae indicates that this missense variant is expected to disrupt CACNA1D protein function with a positive predictive value of 80%. In summary, the available evidence is currently insufficient to determine the role of this variant in disease. Therefore, it has been classified as a Variant of Uncertain Significance.